The following is an entry in ClinVar:

ClinVar aggregate classification (germline): Benign/Likely benign. Review status: criteria provided, multiple submitters, no conflicts (2 of 4 stars). 5 submissions from 5 submitters: Benign (2); Likely benign (2). 1 of the submissions does not count toward it. Last evaluated 2026-01-27.

Conditions:
NR3C1 POLYMORPHISM.
Glucocorticoid resistance. Also called: Glucocorticoid resistance, generalized; Gccr deficiency; Glucocorticoid receptor deficiency; Cortisol resistance from glucocorticoid receptor defect; Gcr deficiency. Identifiers: Orphanet 786, MedGen C1841972, MONDO:0014421, OMIM 615962.

Allele frequency attached by ClinVar (database versions not stated): 1000 Genomes Project 0.00619; 1000 Genomes Project 30x 0.00734; TOPMed 0.01800; gnomAD 0.01930 and 0.01969; gnomAD exomes 0.01966 and 0.02822; ExAC 0.02076; ESP Exome Variant Server 0.02199.
gnomAD v4.1: 43,688 of 1,614,126 alleles (2.7%); highest among the groups gnomAD compares: Non-Finnish European, 3.3%; 696 homozygotes.

Submissions (5):

Labcorp Genetics (formerly Invitae), Labcorp
Classification: Benign. Last evaluated: 2026-01-27. Review status: criteria provided, single submitter. Criteria: Invitae Variant Classification Sherloc (09022015). Collection method: clinical testing. Allele origin: germline.

Blueprint Genetics
Classification: Benign. Last evaluated: 2024-11-25. Review status: criteria provided, single submitter. Criteria: ACMG Guidelines, 2015. Collection method: clinical testing. Allele origin: germline.

Illumina Laboratory Services, Illumina
Classification: Likely benign for Glucocorticoid resistance. Last evaluated: 2018-03-06. Review status: criteria provided, single submitter. Criteria: ICSL Variant Classification Criteria 13 December 2019. Collection method: clinical testing. Allele origin: germline.
Comment: This variant was observed in the ICSL laboratory as part of a predisposition screen in an ostensibly healthy population. It had not been previously curated by ICSL or reported in the Human Gene Mutation Database (HGMD: prior to June 1st, 2018), and was therefore a candidate for classification through an automated scoring system. Utilizing variant allele frequency, disease prevalence and penetrance estimates, and inheritance mode, an automated score was calculated to assess if this variant is too frequent to cause the disease. Based on the score and internal cut-off values, a variant classified as likely benign is not then subjected to further curation. The score for this variant resulted in a classification of likely benign for this disease.

Breakthrough Genomics
Classification: Likely benign. Review status: criteria provided, single submitter. Criteria: ACMG Guidelines, 2015. Collection method: not provided. Allele origin: germline. Inheritance: Autosomal dominant inheritance. Affected: yes.

OMIM
Classification: Benign for NR3C1 POLYMORPHISM. Last evaluated: 2007-08-01. Review status: no assertion criteria provided. Collection method: literature only. Allele origin: germline. Not counted in ClinVar's aggregate classification.

Literature cited by the submitters: PubMed 9150737 (cited by OMIM); PubMed 9435432 (cited by OMIM); PubMed 11344238 (cited by OMIM); PubMed 16030164 (cited by OMIM); PubMed 14715855 (cited by OMIM); PubMed 16636127 (cited by OMIM); PubMed 17535992 (cited by OMIM).

NM_000176.3(NR3C1):c.1088A>G (p.Asn363Ser)

Gene: NR3C1 (nuclear receptor subfamily 3 group C member 1; minus strand). Cytogenetic location: 5q31.3.
Variant type: single nucleotide variant.
Coding change: c.1088A>G on transcript NM_000176.3 (MANE Select); coding-DNA position 1088, A replaced by G.
Protein change: p.Asn363Ser; replaces asparagine 363 with serine.
Molecular consequence: missense variant.
Genome position (GRCh38, 1-based): chr5:143,399,752, T>C on the plus strand (A>G on the coding strand, the complement: NR3C1 is on the minus strand). VCF-style: chr5-143399752-T-C. GRCh37 (hg19) VCF-style: chr5-142779317-T-C.
Other names: c.1088A>G, p.Asn363Ser (NM_001018074.1, NM_001018075.1, NM_001018076.2 and 10 more transcripts); c.1010A>G, p.Asn337Ser (NM_001204258.2); c.833A>G, p.Asn278Ser (NM_001204259.2); c.821A>G, p.Asn274Ser (NM_001204260.2); c.797A>G, p.Asn266Ser (NM_001204261.2); c.143A>G, p.Asn48Ser (NM_001204262.2); c.98A>G, p.Asn33Ser (NM_001204263.2); c.83A>G, p.Asn28Ser (NM_001204264.2); short protein forms N363S, N337S, N48S, N266S, N278S, N28S, N33S, N274S.
Identifiers: ClinVar variation 16150 (VCV000016150.15), dbSNP rs56149945, ClinGen allele CA126223.
Genomic context (GRCh38, chr5:143,399,752, plus strand): 5'-AAGTTCAGAGTCCCCAGAGAAGTCAAGTTGTCATCTCCAGATCCTTGGCACCTATTCCAA[T>C]TTTCGGAACCAACGGGAATTGGTGGAATGACATTAAAAATAGGCTTCTGATCCTGCTGTT-3'
Protein context (NP_000167.1, residues 353-373): VIPPIPVGSE[Asn363Ser]WNRCQGSGDD